The following is an entry in ClinVar:

ClinVar aggregate classification (germline): Pathogenic (1 of 4 stars; one submission).

Conditions:
X-linked Alport syndrome (ATS1). Also called: COL4A5-Related Nephropathy; NEPHROPATHY AND DEAFNESS, X-LINKED. Identifiers: Orphanet 63, Orphanet 88917, MedGen C4746986, MONDO:0010520, OMIM 301050.

Submission:

Precision Medicine Center, Zhengzhou University
Classification: Pathogenic for X-linked Alport syndrome. Review status: criteria provided, single submitter. Criteria: ACMG Guidelines, 2015. Collection method: research. Allele origin: germline. Affected: yes.
Comment: PVS1:Null variant in the gene with established LOF as a disease mechanism PM2:not found in gnomAD PP3:Multiple lines of computational evidence support a deleterious effect on the gene or gene product

NM_033380.3(COL4A5):c.322-1G>T

Gene: COL4A5 (collagen type IV alpha 5 chain; plus strand). Cytogenetic location: Xq22.3.
Variant type: single nucleotide variant.
Coding change: c.322-1G>T on transcript NM_033380.3 (MANE Select); the canonical splice acceptor site of the intron before coding-DNA position 322, G replaced by T.
Molecular consequence: splice acceptor variant.
Genome position (GRCh38, 1-based): chrX:108,568,758, G>T. VCF-style: chrX-108568758-G-T. GRCh37 (hg19) VCF-style: chrX-107811988-G-T.
Other names: c.322-1G>T (NM_000495.5).
Identifiers: ClinVar variation 1077055 (VCV001077055.1), dbSNP rs104886375, ClinGen allele CA413918096.